The following is an entry in ClinVar:

ClinVar aggregate classification (germline): Uncertain significance (1 of 4 stars; one submission).

Submission:

Labcorp Genetics (formerly Invitae), Labcorp
Classification: Uncertain significance. Last evaluated: 2024-10-05. Review status: criteria provided, single submitter. Criteria: Invitae Variant Classification Sherloc (09022015). Collection method: clinical testing. Allele origin: germline.
Comment: This sequence change replaces glutamic acid, which is acidic and polar, with alanine, which is neutral and non-polar, at codon 387 of the MTMR14 protein (p.Glu387Ala). This variant is not present in population databases (gnomAD no frequency). This variant has not been reported in the literature in individuals affected with MTMR14-related conditions. Invitae Evidence Modeling of protein sequence and biophysical properties (such as structural, functional, and spatial information, amino acid conservation, physicochemical variation, residue mobility, and thermodynamic stability) indicates that this missense variant is not expected to disrupt MTMR14 protein function with a negative predictive value of 80%. In summary, the available evidence is currently insufficient to determine the role of this variant in disease. Therefore, it has been classified as a Variant of Uncertain Significance.

NM_001077525.3(MTMR14):c.1160A>C (p.Glu387Ala)

Gene: MTMR14 (myotubularin related protein 14; plus strand). Cytogenetic location: 3p25.3.
Variant type: single nucleotide variant.
Coding change: c.1160A>C on transcript NM_001077525.3 (MANE Select); coding-DNA position 1160, A replaced by C.
Protein change: p.Glu387Ala; replaces glutamic acid 387 with alanine.
Molecular consequence: missense variant. On other transcripts: non-coding transcript variant (9).
Genome position (GRCh38, 1-based): chr3:9,685,243, A>C. VCF-style: chr3-9685243-A-C. GRCh37 (hg19) VCF-style: chr3-9726927-A-C.
Other names: c.803A>C, p.Glu268Ala (NM_001400537.1); c.443A>C, p.Glu148Ala (NM_001400538.1, NM_001400549.1); c.518A>C, p.Glu173Ala (NM_001400539.1, NM_001400540.1, NM_001400541.1 and 7 more transcripts); c.299A>C, p.Glu100Ala (NM_001400544.1, NM_001400547.1, NM_001400548.1 and 1 more transcripts); c.1160A>C, p.Glu387Ala (NM_001077526.3, NM_022485.5); c.1229A>C, p.Glu410Ala (NM_001400518.1, NM_001400521.1); c.1157A>C, p.Glu386Ala (NM_001400519.1, NM_001400522.1); c.1085A>C, p.Glu362Ala (NM_001400520.1, NM_001400523.1, NM_001400528.1); and 5 more; short protein forms E385A, E387A, E148A, E305A, E362A, E410A, E100A, E173A.
Identifiers: ClinVar variation 3716843 (VCV003716843.2).
Genomic context (GRCh38, chr3:9,685,243, plus strand): 5'-CTTTGCCTCTCTACCCTCCTTTTTTCAGGCACATGTTGGTAGATCGGCTCAGCAAAGGGG[A>C]GGAGGTGAGTATACCACCTACGACTTGTGGGCACAGCTCAGCACTGAAAGAGGGGCAGTG-3'
Protein context (NP_001070993.1, residues 377-397): HMLVDRLSKG[Glu387Ala]EIFFFCFNFL